The following is an entry in ClinVar:

ClinVar aggregate classification (germline): Uncertain significance (1 of 4 stars; one submission).

Submission:

Labcorp Genetics (formerly Invitae), Labcorp
Classification: Uncertain significance. Last evaluated: 2021-12-18. Review status: criteria provided, single submitter. Criteria: Invitae Variant Classification Sherloc (09022015). Collection method: clinical testing. Allele origin: germline.
Comment: Algorithms developed to predict the effect of missense changes on protein structure and function are either unavailable or do not agree on the potential impact of this missense change (SIFT: "Deleterious"; PolyPhen-2: "Probably Damaging"; Align-GVGD: "Class C0"). In summary, the available evidence is currently insufficient to determine the role of this variant in disease. Therefore, it has been classified as a Variant of Uncertain Significance. This variant has not been reported in the literature in individuals affected with DGAT1-related conditions. This variant is not present in population databases (gnomAD no frequency). This sequence change replaces leucine, which is neutral and non-polar, with histidine, which is basic and polar, at codon 204 of the DGAT1 protein (p.Leu204His).

NM_012079.6(DGAT1):c.611T>A (p.Leu204His)

Gene: DGAT1 (diacylglycerol O-acyltransferase 1; minus strand). Cytogenetic location: 8q24.3.
Variant type: single nucleotide variant.
Coding change: c.611T>A on transcript NM_012079.6 (MANE Select); coding-DNA position 611, T replaced by A.
Protein change: p.Leu204His; replaces leucine 204 with histidine.
Molecular consequence: missense variant.
Genome position (GRCh38, 1-based): chr8:144,318,326, A>T on the plus strand (T>A on the coding strand, the complement: DGAT1 is on the minus strand). VCF-style: chr8-144318326-A-T. GRCh37 (hg19) VCF-style: chr8-145541989-A-T.
Other names: short protein forms L204H.
Identifiers: ClinVar variation 2046515 (VCV002046515.4), dbSNP rs2488954242, ClinGen allele CA372612232.
Genomic context (GRCh38, chr8:144,318,326, plus strand): 5'-TTGGCCCTGGCCCTGCGGCACCATGAGTTGACGTCGCGGTAGGAGAAGAGCTTGAGGAAG[A>T]GGATGGTGTGCGCCATCAGCGCCAGCAGGGAGCCCACTGCAGGAGAGGTGGACTCAGGCC-3'
Protein context (NP_036211.2, residues 194-214): SLLALMAHTI[Leu204His]FLKLFSYRDV